The following is an entry in ClinVar:

ClinVar aggregate classification (germline): Likely benign (1 of 4 stars; one submission).

gnomAD v4.1: 33 of 111,717 alleles (0.03%); highest among the groups gnomAD compares: Non-Finnish European, 0.043%; no homozygotes.

Submission:

CeGaT Center for Human Genetics Tuebingen
Classification: Likely benign. Last evaluated: 2026-01-01. Review status: criteria provided, single submitter. Criteria: CeGaT Center For Human Genetics Tuebingen Variant Classification Criteria Version 2. Collection method: clinical testing. Allele origin: germline. Affected: yes. Observed: 1 variant allele.
Comment: LAMP2: BS2

NM_002294.3(LAMP2):c.1094-1146C>T

Gene: LAMP2 (lysosome associated membrane protein 2; minus strand). Cytogenetic location: Xq24.
Variant type: single nucleotide variant.
Coding change: c.1094-1146C>T on transcript NM_002294.3 (MANE Select); 1146 bases into the intron before coding-DNA position 1094, C replaced by T.
Molecular consequence: intron variant.
Genome position (GRCh38, 1-based): chrX:120,432,608, G>A on the plus strand (C>T on the coding strand, the complement: LAMP2 is on the minus strand). VCF-style: chrX-120432608-G-A. GRCh37 (hg19) VCF-style: chrX-119566463-G-A.
Other names: c.1094-3982C>T (NM_001122606.1).
Identifiers: ClinVar variation 4822666 (VCV004822666.4).